The following is an entry in ClinVar:

NM_001754.5(RUNX1):c.182C>G (p.Pro61Arg)

Gene: RUNX1 (RUNX family transcription factor 1; minus strand). Cytogenetic location: 21q22.12.
Variant type: single nucleotide variant.
Coding change: c.182C>G on transcript NM_001754.5 (MANE Select); coding-DNA position 182, C replaced by G.
Protein change: p.Pro61Arg; replaces proline 61 with arginine.
Molecular consequence: missense variant.
Genome position (GRCh38, 1-based): chr21:34,887,012, G>C on the plus strand (C>G on the coding strand, the complement: RUNX1 is on the minus strand). VCF-style: chr21-34887012-G-C. GRCh37 (hg19) VCF-style: chr21-36259309-G-C.
Other names: NM_001754.5(RUNX1):c.182C>G; p.Pro61Arg; c.101C>G, p.Pro34Arg (NM_001001890.3, NM_001122607.2); short protein forms P34R, P61R.
Identifiers: ClinVar variation 1951250 (VCV001951250.6), dbSNP rs769213771, ClinGen allele CA410203987.

ClinVar aggregate classification (germline): Uncertain significance. Review status: reviewed by expert panel (3 of 4 stars). 2 submissions from 2 submitters: Uncertain significance (1). 1 of the submissions does not count toward it. Last evaluated 2024-07-17.

Conditions:
Hereditary thrombocytopenia and hematologic cancer predisposition syndrome. Identifiers: Orphanet 71290, MedGen CN281654, MONDO:0011071.
Hereditary thrombocytopenia and hematological cancer predisposition syndrome associated with RUNX1. Also called: RUNX1 Familial Platelet Disorder with Associated Myeloid Malignancies; Familial Platelet Disorder with Propensity to Acute Myelogenous Leukemia; Familial thrombocytopenia with propensity to acute myelogenous leukemia; PLATELET DISORDER, ASPIRIN-LIKE. Identifiers: Orphanet 71290, MedGen C1832388, MeSH C563324, MONDO:0100083, OMIM 601399.

gnomAD v4.1: 1 of 1,602,336 alleles (0.000062%); highest among the groups gnomAD compares: Non-Finnish European, 0.000085%; no homozygotes.

Submissions (2):

ClinGen Myeloid Malignancy Variant Curation Expert Panel
Classification: Uncertain significance for Hereditary thrombocytopenia and hematologic cancer predisposition syndrome. Last evaluated: 2024-07-17. Review status: reviewed by expert panel. Criteria: ClinGen MyeloMalig ACMG Specifications v2. Collection method: curation. Allele origin: germline. Inheritance: Autosomal dominant inheritance.
Comment: NM_001754.5(RUNX1):c.182C>G (p.Pro61Arg) is a missense variant which is absent from gnomAD v2.1.1 and v3.1.2 (PM2_supporting). This variant has a REVEL score < 0.50 (0.316), and a SpliceAI score ≤ 0.20 (0.0) (BP4). In summary, the clinical significance of this variant is uncertain. ACMG/AMP criteria applied, as specified by the Myeloid Malignancy Variant Curation Expert Panel for RUNX1: BP4, PM2_supporting.

Labcorp Genetics (formerly Invitae), Labcorp
Classification: Uncertain significance for Hereditary thrombocytopenia and hematological cancer predisposition syndrome associated with RUNX1. Last evaluated: 2022-05-07. Review status: criteria provided, single submitter. Criteria: Invitae Variant Classification Sherloc (09022015). Collection method: clinical testing. Allele origin: germline. Not counted in ClinVar's aggregate classification.
Comment: This variant has not been reported in the literature in individuals affected with RUNX1-related conditions. This variant is not present in population databases (gnomAD no frequency). This sequence change replaces proline, which is neutral and non-polar, with arginine, which is basic and polar, at codon 61 of the RUNX1 protein (p.Pro61Arg). Algorithms developed to predict the effect of missense changes on protein structure and function (SIFT, PolyPhen-2, Align-GVGD) all suggest that this variant is likely to be tolerated. In summary, the available evidence is currently insufficient to determine the role of this variant in disease. Therefore, it has been classified as a Variant of Uncertain Significance.